The following is an entry in ClinVar:

NM_001372051.1(CASP8):c.306-1954C>G

Gene: CASP8 (caspase 8; plus strand). Cytogenetic location: 2q33.1.
Variant type: single nucleotide variant.
Coding change: c.306-1954C>G on transcript NM_001372051.1 (MANE Select); 1954 bases into the intron before coding-DNA position 306, C replaced by G.
Molecular consequence: intron variant. On other transcripts: missense variant (1).
Genome position (GRCh38, 1-based): chr2:201,269,562, C>G. VCF-style: chr2-201269562-C-G. GRCh37 (hg19) VCF-style: chr2-202134285-C-G.
Other names: c.306-1954C>G (NM_001400660.1, NM_001400648.1, NM_001400668.1 and 20 more transcripts); c.-227-1954C>G (NM_001400677.1, NM_001400678.1, NM_001400671.1 and 6 more transcripts); c.-4-1954C>G (NM_001400669.1); c.-306-1954C>G (NM_001400680.1); c.-408-1954C>G (NM_001400674.1); c.483-1954C>G (NM_001080125.2, NM_001400642.1, NM_001400665.1); c.358C>G, p.Gln120Glu (NM_001228.5); short protein forms Q120E.
Identifiers: ClinVar variation 853291 (VCV000853291.1), dbSNP rs988514241, ClinGen allele CA350284203.
Genomic context (GRCh38, chr2:201,269,562, plus strand): 5'-CTTTGAAGGTTCCACTTCTGCCGCATGAGCTGGGCTGAAGCAAACAGCCAGTGCCAGACA[C>G]AGTCTGTACCTTTCTGGCGGAGGGTCGATCATCTATTAATAAGGCAGGATCTCTCTTAAA-3'

ClinVar aggregate classification (germline): Uncertain significance (1 of 4 stars; one submission).

Conditions:
Autoimmune lymphoproliferative syndrome type 2B. Also called: AUTOIMMUNE LYMPHOPROLIFERATIVE SYNDROME, TYPE IIB. Identifiers: Orphanet 275517, MedGen C1846545, MONDO:0011804, OMIM 607271.

Submission:

Labcorp Genetics (formerly Invitae), Labcorp
Classification: Uncertain significance for Caspase-8 deficiency. Last evaluated: 2019-12-13. Review status: criteria provided, single submitter. Criteria: Invitae Variant Classification Sherloc (09022015). Collection method: clinical testing. Allele origin: germline.
Comment: This sequence change replaces glutamine with glutamic acid at codon 120 of the CASP8 protein (p.Gln120Glu). The glutamine residue is weakly conserved and there is a small physicochemical difference between glutamine and glutamic acid. This variant is not present in population databases (ExAC no frequency). This variant has not been reported in the literature in individuals with CASP8-related conditions. Algorithms developed to predict the effect of missense changes on protein structure and function are either unavailable or do not agree on the potential impact of this missense change (SIFT: "Not Available"; PolyPhen-2: "Benign"; Align-GVGD: "Class C0"). In summary, the available evidence is currently insufficient to determine the role of this variant in disease. Therefore, it has been classified as a Variant of Uncertain Significance.